The following is an entry in ClinVar:

NC_000012.11:g.(?_58179926)_(58180965_?)del

Gene: TSFM (Ts translation elongation factor, mitochondrial; plus strand). Cytogenetic location: 12q14.1.
Variant type: Deletion.
Identifiers: ClinVar variation 1373740 (VCV001373740.5).

ClinVar aggregate classification (germline): Uncertain significance (1 of 4 stars; one submission).

Submission:

Labcorp Genetics (formerly Invitae), Labcorp
Classification: Uncertain significance. Last evaluated: 2021-10-14. Review status: criteria provided, single submitter. Criteria: Invitae Variant Classification Sherloc (09022015). Collection method: clinical testing. Allele origin: germline.
Comment: This variant is a gross deletion of the genomic region encompassing exon(s) 3-4 of the TSFM gene. This variant would be expected to be in-frame, preserving the integrity of the reading frame. This variant has not been reported in the literature in individuals affected with TSFM-related conditions. Experimental studies and prediction algorithms are not available or were not evaluated, and the functional significance of this variant is currently unknown. In summary, the available evidence is currently insufficient to determine the role of this variant in disease. Therefore, it has been classified as a Variant of Uncertain Significance.